The following is an entry in ClinVar:

ClinVar aggregate classification (germline): Conflicting classifications of pathogenicity. Review status: criteria provided, conflicting classifications (1 of 4 stars). 2 submissions from 2 submitters: Uncertain significance (1); Likely benign (1). Last evaluated 2023-03-23.

Conditions:
Hereditary cancer-predisposing syndrome. Also called: Neoplastic Syndromes, Hereditary; Tumor predisposition; Hereditary Cancer Syndrome; Hereditary neoplastic syndrome. Identifiers: Orphanet 140162, MedGen C0027672, MeSH D009386, MONDO:0015356.

Submissions (2):

University of Washington Department of Laboratory Medicine, University of Washington
Classification: Likely benign for Hereditary cancer-predisposing syndrome. Last evaluated: 2023-03-23. Review status: criteria provided, single submitter. Criteria: Dines et al. (Genet Med. 2020). Collection method: curation. Allele origin: germline.
Comment: Missense variant in a coldspot region where missense variants are very unlikely to be pathogenic (PMID:31911673).

BRCA1 coldspot (exon 11 using historical exon numbering). Reclassification based on statistical prior probability

Ambry Genetics
Classification: Uncertain significance for Hereditary cancer-predisposing syndrome. Last evaluated: 2020-02-25. Review status: criteria provided, single submitter. Criteria: Ambry Variant Classification Scheme 2023. Collection method: clinical testing. Allele origin: germline.
Comment: The p.P684L variant (also known as c.2051C>T), located in coding exon 9 of the BRCA1 gene, results from a C to T substitution at nucleotide position 2051. The proline at codon 684 is replaced by leucine, an amino acid with similar properties. This amino acid position is not well conserved in available vertebrate species. In addition, the in silico prediction for this alteration is inconclusive. Since supporting evidence is limited at this time, the clinical significance of this alteration remains unclear.

NM_007294.4(BRCA1):c.2051C>T (p.Pro684Leu)

Gene: BRCA1 (BRCA1 DNA repair associated; minus strand). Cytogenetic location: 17q21.31.
Variant type: single nucleotide variant.
Coding change: c.2051C>T on transcript NM_007294.4 (MANE Select); coding-DNA position 2051, C replaced by T.
Protein change: p.Pro684Leu; replaces proline 684 with leucine.
Molecular consequence: missense variant. On other transcripts: intron variant (137).
Genome position (GRCh38, 1-based): chr17:43,093,480, G>A on the plus strand (C>T on the coding strand, the complement: BRCA1 is on the minus strand). VCF-style: chr17-43093480-G-A. GRCh37 (hg19) VCF-style: chr17-41245497-G-A.
Other names: c.1841C>T, p.Pro614Leu (NM_001407908.1, NM_001407909.1, NM_001407910.1 and 13 more transcripts); c.787+1264C>T (NM_007298.4, NM_001407978.1, NM_001407980.1 and 19 more transcripts); c.643+1264C>T (NM_001408462.1, NM_001408470.1, NM_001408464.1 and 3 more transcripts); c.577+1264C>T (NM_001408485.1, NM_001408514.1, NM_001408481.1 and 9 more transcripts); c.661+1264C>T (NM_001408433.1, NM_001408447.1, NM_001408446.1 and 6 more transcripts); c.709+1264C>T (NM_001408414.1, NM_001408411.1, NM_001408412.1 and 2 more transcripts); c.1838C>T, p.Pro613Leu (NM_001407918.1, NM_001407917.1, NM_001407915.1 and 9 more transcripts); c.1928C>T, p.Pro643Leu (NM_001407919.1, NM_001407648.1, NM_001407664.1 and 19 more transcripts); and 40 more; short protein forms P557L, P596L, P614L, P616L, P636L, P516L, P556L, P573L.
Identifiers: ClinVar variation 1785077 (VCV001785077.4), dbSNP rs2154401988, ClinGen allele CA10597901.